The following is an entry in ClinVar:

NM_007118.4(TRIO):c.7929G>A (p.Glu2643=)

Gene: TRIO (trio Rho guanine nucleotide exchange factor; plus strand). Cytogenetic location: 5p15.2.
Variant type: single nucleotide variant.
Coding change: c.7929G>A on transcript NM_007118.4 (MANE Select); coding-DNA position 7929, G replaced by A.
Protein change: p.Glu2643=; no amino-acid change (glutamic acid 2643 retained).
Molecular consequence: synonymous variant. On other transcripts: non-coding transcript variant (1).
Genome position (GRCh38, 1-based): chr5:14,496,927, G>A. VCF-style: chr5-14496927-G-A. GRCh37 (hg19) VCF-style: chr5-14497036-G-A.
Identifiers: ClinVar variation 3905901 (VCV003905901.10).

ClinVar aggregate classification (germline): Likely benign (1 of 4 stars; one submission).

gnomAD v4.1: 12 of 1,614,018 alleles (0.00074%); highest among the groups gnomAD compares: East Asian, 0.0022%; no homozygotes.

Submission:

CeGaT Center for Human Genetics Tuebingen
Classification: Likely benign. Last evaluated: 2025-05-01. Review status: criteria provided, single submitter. Criteria: CeGaT Center For Human Genetics Tuebingen Variant Classification Criteria Version 2. Collection method: clinical testing. Allele origin: germline. Affected: yes. Observed: 1 variant allele.
Comment: TRIO: BP4